The following is an entry in ClinVar:

ClinVar aggregate classification (germline): Uncertain significance (1 of 4 stars; one submission).

Submission:

Labcorp Genetics (formerly Invitae), Labcorp
Classification: Uncertain significance. Last evaluated: 2024-11-18. Review status: criteria provided, single submitter. Criteria: Invitae Variant Classification Sherloc (09022015). Collection method: clinical testing. Allele origin: germline.
Comment: This sequence change replaces valine, which is neutral and non-polar, with isoleucine, which is neutral and non-polar, at codon 1620 of the HMCN1 protein (p.Val1620Ile). Information on the frequency of this variant in the gnomAD database is not available, as this variant may be reported differently in the database. This variant has not been reported in the literature in individuals affected with HMCN1-related conditions. ClinVar contains an entry for this variant (Variation ID: 2169305). Experimental studies and prediction algorithms are not available or were not evaluated, and the functional significance of this variant is currently unknown. In summary, the available evidence is currently insufficient to determine the role of this variant in disease. Therefore, it has been classified as a Variant of Uncertain Significance.

NM_031935.3(HMCN1):c.4857_4858inv (p.Val1620Ile)

Gene: HMCN1 (hemicentin 1; plus strand). Cytogenetic location: 1q31.1.
Variant type: Inversion.
Coding change: c.4857_4858inv on transcript NM_031935.3 (MANE Select).
Protein change: p.Val1620Ile; replaces valine 1620 with isoleucine.
Molecular consequence: missense variant.
Genome position: GRCh38 VCF-style: chr1-186015385-TG-CA. GRCh37 (hg19) VCF-style: chr1-185984517-TG-CA.
Other names: short protein forms V1620I.
Identifiers: ClinVar variation 2169305 (VCV002169305.4), ClinGen allele CA2580061671.